The following is an entry in ClinVar:

ClinVar aggregate classification (germline): Benign/Likely benign. Review status: criteria provided, multiple submitters, no conflicts (2 of 4 stars). 3 submissions from 3 submitters: Benign (1); Likely benign (1). 1 of the submissions does not count toward it. Last evaluated 2025-12-01.

Conditions:
TNS2-related disorder. Also called: TNS2-related condition.

Allele frequency attached by ClinVar (database versions not stated): ESP Exome Variant Server 0.00008; TOPMed 0.00016; gnomAD 0.00038; gnomAD exomes 0.00070; 1000 Genomes Project 30x 0.00078; 1000 Genomes Project 0.00100; ExAC 0.00135.
gnomAD v4.1: 1,106 of 1,613,228 alleles (0.069%); highest among the groups gnomAD compares: South Asian, 0.98%; 21 homozygotes.

Submissions (3):

Labcorp Genetics (formerly Invitae), Labcorp
Classification: Benign. Last evaluated: 2025-12-01. Review status: criteria provided, single submitter. Criteria: Invitae Variant Classification Sherloc (09022015). Collection method: clinical testing. Allele origin: germline.

CeGaT Center for Human Genetics Tuebingen
Classification: Likely benign. Last evaluated: 2022-03-01. Review status: criteria provided, single submitter. Criteria: CeGaT Center For Human Genetics Tuebingen Variant Classification Criteria Version 2. Collection method: clinical testing. Allele origin: germline. Affected: yes. Observed: 1 variant allele.
Comment: TNS2: BP4, BP7

PreventionGenetics, part of Exact Sciences
Classification: Likely benign for TNS2-related condition. Last evaluated: 2019-04-09. Review status: no assertion criteria provided. Collection method: clinical testing. Allele origin: germline. Not counted in ClinVar's aggregate classification.
Comment: This variant is classified as likely benign based on ACMG/AMP sequence variant interpretation guidelines (Richards et al. 2015 PMID: 25741868, with internal and published modifications).

NM_170754.4(TNS2):c.2043C>T (p.Asp681=)

Gene: TNS2 (tensin 2; plus strand). Cytogenetic location: 12q13.13.
Variant type: single nucleotide variant.
Coding change: c.2043C>T on transcript NM_170754.4 (MANE Select); coding-DNA position 2043, C replaced by T.
Protein change: p.Asp681=; no amino-acid change (aspartic acid 681 retained).
Molecular consequence: synonymous variant.
Genome position (GRCh38, 1-based): chr12:53,059,684, C>T. VCF-style: chr12-53059684-C-T. GRCh37 (hg19) VCF-style: chr12-53453468-C-T.
Other names: c.2043C>T, p.Asp681= (NM_001416202.1); c.2001C>T, p.Asp667= (NM_001416203.1); c.2070C>T, p.Asp690= (NM_001416204.1); c.1974C>T, p.Asp658= (NM_015319.3); c.1671C>T, p.Asp557= (NM_198316.2); c.2073C>T (NM_015319.2).
Identifiers: ClinVar variation 2155863 (VCV002155863.29), dbSNP rs201533668, ClinGen allele CA6592518.